The following is an entry in ClinVar:

NM_194248.3(OTOF):c.2703G>A (p.Ser901=)

Gene: OTOF (otoferlin; minus strand). Cytogenetic location: 2p23.3.
Variant type: single nucleotide variant.
Coding change: c.2703G>A on transcript NM_194248.3 (MANE Select); coding-DNA position 2703, G replaced by A.
Protein change: p.Ser901=; no amino-acid change (serine 901 retained).
Molecular consequence: synonymous variant.
Genome position (GRCh38, 1-based): chr2:26,476,291, C>T on the plus strand (G>A on the coding strand, the complement: OTOF is on the minus strand). VCF-style: chr2-26476291-C-T. GRCh37 (hg19) VCF-style: chr2-26699159-C-T.
Other names: p.Ser901=; c.2703G>A, p.Ser901= (NM_001287489.2); c.462G>A, p.Ser154= (NM_004802.4, NM_194323.3); c.633G>A, p.Ser211= (NM_194322.3).
Identifiers: ClinVar variation 48205 (VCV000048205.20), dbSNP rs4997760, ClinGen allele CA142822.

ClinVar aggregate classification (germline): Benign/Likely benign. Review status: criteria provided, multiple submitters, no conflicts (2 of 4 stars). 8 submissions from 8 submitters: Benign (6); Likely benign (2). Last evaluated 2026-02-02.

Conditions:
Autosomal recessive nonsyndromic hearing loss 9. Also called: Deafness, autosomal recessive 9; AUDITORY NEUROPATHY, AUTOSOMAL RECESSIVE, 1, TEMPERATURE-SENSITIVE; NEUROSENSORY NONSYNDROMIC RECESSIVE DEAFNESS 9; OTOF-Related Hearing Loss. Identifiers: Orphanet 90636, MedGen C1832828, MONDO:0010986, OMIM 601071.

Allele frequency attached by ClinVar (database versions not stated): ESP Exome Variant Server 0.03284; ExAC 0.03708; gnomAD 0.03814 and 0.03854; TOPMed 0.04035; 1000 Genomes Project 30x 0.05856; 1000 Genomes Project 0.06190.
gnomAD v4.1: 37,278 of 1,602,782 alleles (2.3%); highest among the groups gnomAD compares: East Asian, 13%; 979 homozygotes.

Submissions (8):

Labcorp Genetics (formerly Invitae), Labcorp
Classification: Benign. Last evaluated: 2026-02-02. Review status: criteria provided, single submitter. Criteria: Invitae Variant Classification Sherloc (09022015). Collection method: clinical testing. Allele origin: germline.

Women's Health and Genetics/Laboratory Corporation of America, LabCorp
Classification: Benign. Last evaluated: 2026-01-08. Review status: criteria provided, single submitter. Criteria: LabCorp Variant Classification Summary - May 2015. Collection method: clinical testing. Allele origin: germline.

Mayo Clinic Laboratories, Mayo Clinic
Classification: Benign. Last evaluated: 2021-11-07. Review status: criteria provided, single submitter. Criteria: ACMG Guidelines, 2015. Collection method: clinical testing. Allele origin: germline. Observed: 8 variant alleles.

Athena Diagnostics
Classification: Benign. Last evaluated: 2019-01-25. Review status: criteria provided, single submitter. Criteria: Athena Diagnostics Criteria. Collection method: clinical testing. Allele origin: germline.

Illumina Laboratory Services, Illumina
Classification: Likely benign for Autosomal recessive nonsyndromic hearing loss 9. Last evaluated: 2018-01-13. Review status: criteria provided, single submitter. Criteria: ICSL Variant Classification Criteria 13 December 2019. Collection method: clinical testing. Allele origin: germline.
Comment: This variant was observed in the ICSL laboratory as part of a predisposition screen in an ostensibly healthy population. It had not been previously curated by ICSL or reported in the Human Gene Mutation Database (HGMD: prior to June 1st, 2018), and was therefore a candidate for classification through an automated scoring system. Utilizing variant allele frequency, disease prevalence and penetrance estimates, and inheritance mode, an automated score was calculated to assess if this variant is too frequent to cause the disease. Based on the score and internal cut-off values, a variant classified as likely benign is not then subjected to further curation. The score for this variant resulted in a classification of likely benign for this disease.

GeneDx
Classification: Benign. Last evaluated: 2017-08-03. Review status: criteria provided, single submitter. Criteria: GeneDx Variant Classification (06012015). Collection method: clinical testing. Allele origin: germline. Affected: yes.
Comment: This variant is considered likely benign or benign based on one or more of the following criteria: it is a conservative change, it occurs at a poorly conserved position in the protein, it is predicted to be benign by multiple in silico algorithms, and/or has population frequency not consistent with disease.

Laboratory for Molecular Medicine, Mass General Brigham Personalized Medicine
Classification: Benign. Last evaluated: 2008-02-19. Review status: criteria provided, single submitter. Criteria: LMM Criteria. Collection method: clinical testing. Allele origin: germline. Observed: 103 variant alleles.

Breakthrough Genomics
Classification: Likely benign. Review status: criteria provided, single submitter. Criteria: ACMG Guidelines, 2015. Collection method: not provided. Allele origin: germline. Inheritance: Autosomal recessive inheritance. Affected: yes.